The following is an entry in ClinVar:

NM_001379500.1(COL18A1):c.1240G>A (p.Gly414Arg)

Gene: COL18A1 (collagen type XVIII alpha 1 chain; plus strand). Cytogenetic location: 21q22.3.
Variant type: single nucleotide variant.
Coding change: c.1240G>A on transcript NM_001379500.1 (MANE Select); coding-DNA position 1240, G replaced by A.
Protein change: p.Gly414Arg; replaces glycine 414 with arginine.
Molecular consequence: missense variant.
Genome position (GRCh38, 1-based): chr21:45,478,345, G>A. VCF-style: chr21-45478345-G-A. GRCh37 (hg19) VCF-style: chr21-46898259-G-A.
Other names: c.1780G>A, p.Gly594Arg (NM_030582.4); c.2485G>A, p.Gly829Arg (NM_130444.3); short protein forms G414R, G594R, G829R.
Identifiers: ClinVar variation 3611181 (VCV003611181.2).
Genomic context (GRCh38, chr21:45,478,345, plus strand): 5'-GGAGTCATTTCCCATCACTAATGGCTTCTCTTGCACACCCAGGGCGACCCCGGTGAAGAC[G>A]GAAAGCCGGTGAGTCTGCTTTTCTTTCTGACCCCTGTGTTATCTGTGATGTTTGCTTAGA-3'
Protein context (NP_001366429.1, residues 404-424): DGEPGDPGED[Gly414Arg]KPGDTGPQGF

ClinVar aggregate classification (germline): Uncertain significance (1 of 4 stars; one submission).

gnomAD v4.1: 15 of 1,614,164 alleles (0.00093%); highest among the groups gnomAD compares: South Asian, 0.0088%; no homozygotes.

Submission:

Labcorp Genetics (formerly Invitae), Labcorp
Classification: Uncertain significance. Last evaluated: 2024-10-17. Review status: criteria provided, single submitter. Criteria: Invitae Variant Classification Sherloc (09022015). Collection method: clinical testing. Allele origin: germline.
Comment: This sequence change replaces glycine, which is neutral and non-polar, with arginine, which is basic and polar, at codon 414 of the COL18A1 protein (p.Gly414Arg). This variant is present in population databases (rs775669904, gnomAD 0.01%). This variant has not been reported in the literature in individuals affected with COL18A1-related conditions. Experimental studies and prediction algorithms are not available or were not evaluated, and the functional significance of this variant is currently unknown. In summary, the available evidence is currently insufficient to determine the role of this variant in disease. Therefore, it has been classified as a Variant of Uncertain Significance.